The following is an entry in ClinVar:

NM_012108.4(STAP1):c.307A>C (p.Thr103Pro)

Gene: STAP1 (signal transducing adaptor family member 1; plus strand). Cytogenetic location: 4q13.2.
Variant type: single nucleotide variant.
Coding change: c.307A>C on transcript NM_012108.4 (MANE Select); coding-DNA position 307, A replaced by C.
Protein change: p.Thr103Pro; replaces threonine 103 with proline.
Molecular consequence: missense variant.
Genome position (GRCh38, 1-based): chr4:67,577,203, A>C. VCF-style: chr4-67577203-A-C. GRCh37 (hg19) VCF-style: chr4-68442921-A-C.
Other names: c.307A>C, p.Thr103Pro (NM_001317769.2); short protein forms T103P.
Identifiers: ClinVar variation 4590307 (VCV004590307.1).

ClinVar aggregate classification (germline): Uncertain significance (1 of 4 stars; one submission).

Submission:

Ambry Genetics
Classification: Uncertain significance. Last evaluated: 2025-11-21. Review status: criteria provided, single submitter. Criteria: Ambry Variant Classification Scheme 2023. Collection method: clinical testing. Allele origin: germline.
Comment: The p.T103P variant (also known as c.307A>C) is located in coding exon 4 of the STAP1 gene. The threonine at codon 103 is replaced by proline, an amino acid with highly similar properties. This change occurs in the first base pair of coding exon 4. This amino acid position is conserved. In addition, the in silico prediction for this alteration is inconclusive. Based on the available evidence, the clinical significance of this variant remains unclear.